The following is an entry in ClinVar:

NM_000321.3(RB1):c.-68A>C

Gene: RB1 (RB transcriptional corepressor 1; plus strand). Cytogenetic location: 13q14.2.
Variant type: single nucleotide variant.
Coding change: c.-68A>C on transcript NM_000321.3 (MANE Select); 68 bases upstream of the start codon, A replaced by C.
Molecular consequence: 5 prime UTR variant.
Genome position (GRCh38, 1-based): chr13:48,303,845, A>C. VCF-style: chr13-48303845-A-C. GRCh37 (hg19) VCF-style: chr13-48877981-A-C.
Other names: c.-68A>C (NM_001407165.1, NM_001407166.1, NM_001407167.1).
Identifiers: ClinVar variation 3707840 (VCV003707840.2).

ClinVar aggregate classification (germline): Uncertain significance (1 of 4 stars; one submission).

Conditions:
Retinoblastoma (RB1). Also called: RETINOBLASTOMA, SOMATIC. Identifiers: Orphanet 790, MedGen C0035335, MeSH D012175, MONDO:0008380, OMIM 180200, HP:0009919. Disease mechanism: loss of function. Inheritance: Both sporadic and heritable forms are tested..

gnomAD v4.1: 1 of 1,494,620 alleles (0.000067%); no homozygotes.

Submission:

Labcorp Genetics (formerly Invitae), Labcorp
Classification: Uncertain significance for Retinoblastoma. Last evaluated: 2025-06-29. Review status: criteria provided, single submitter. Criteria: Invitae Variant Classification Sherloc (09022015). Collection method: clinical testing. Allele origin: germline.
Comment: This variant occurs in a non-coding region of the RB1 gene. It does not change the encoded amino acid sequence of the RB1 protein. This variant is not present in population databases (gnomAD no frequency). This variant has not been reported in the literature in individuals affected with RB1-related conditions. ClinVar contains an entry for this variant (Variation ID: 3707840). In summary, the available evidence is currently insufficient to determine the role of this variant in disease. Therefore, it has been classified as a Variant of Uncertain Significance.